The following is an entry in ClinVar:

NM_013280.5(FLRT1):c.1936C>T (p.Leu646Phe)

Genes: FLRT1 (fibronectin leucine rich transmembrane protein 1; plus strand), MACROD1 (mono-ADP ribosylhydrolase 1; minus strand). Cytogenetic location: 11q13.1.
Variant type: single nucleotide variant.
Coding change: c.1936C>T on transcript NM_013280.5 (MANE Select); coding-DNA position 1936, C replaced by T.
Protein change: p.Leu646Phe; replaces leucine 646 with phenylalanine.
Molecular consequence: missense variant. On other transcripts: intron variant (2).
Genome position (GRCh38, 1-based): chr11:64,118,203, C>T. VCF-style: chr11-64118203-C-T. GRCh37 (hg19) VCF-style: chr11-63885675-C-T.
Other names: c.1936C>T, p.Leu646Phe (NM_001384466.1); c.1852C>T, p.Leu618Phe (NM_001423967.1); c.517+33036G>A (NM_001411019.1, NM_014067.4); short protein forms L646F, L618F.
Identifiers: ClinVar variation 958559 (VCV000958559.1), dbSNP rs566188754, ClinGen allele CA6067835.
Genomic context (GRCh38, chr11:64,118,203, plus strand): 5'-CCGTACCGCGCCAAAGAAGAGTACGTGGTCCACACTATCTTCCCCTCCAACGGCAGCAGC[C>T]TCTGCAAGGCCACACACACCATTGGCTACGGCACCACGCGGGGCTACCGGGACGGCGGCA-3'
Protein context (NP_037412.2, residues 636-656): HTIFPSNGSS[Leu646Phe]CKATHTIGYG

ClinVar aggregate classification (germline): Uncertain significance (1 of 4 stars; one submission).

Conditions:
Peripheral neuropathy. Also called: Neuropathy. Identifiers: MedGen C0031117, MONDO:0005244, HP:0009830.

Allele frequency attached by ClinVar (database versions not stated): gnomAD below 0.00001 and 0.00003; TOPMed 0.00001; gnomAD exomes 0.00003 and 0.00007; ExAC 0.00008; 1000 Genomes Project 0.00020; 1000 Genomes Project 30x 0.00031.
gnomAD v4.1: 48 of 1,613,416 alleles (0.003%); highest among the groups gnomAD compares: South Asian, 0.048%; no homozygotes.

Submission:

Labcorp Genetics (formerly Invitae), Labcorp
Classification: Uncertain significance for Neuropathy. Last evaluated: 2019-11-08. Review status: criteria provided, single submitter. Criteria: Invitae Variant Classification Sherloc (09022015). Collection method: clinical testing. Allele origin: germline.
Comment: This sequence change replaces leucine with phenylalanine at codon 646 of the FLRT1 protein (p.Leu646Phe). The leucine residue is highly conserved and there is a small physicochemical difference between leucine and phenylalanine. This variant is present in population databases (rs566188754, ExAC 0.06%). This variant has not been reported in the literature in individuals with FLRT1-related conditions. Algorithms developed to predict the effect of missense changes on protein structure and function are either unavailable or do not agree on the potential impact of this missense change (SIFT: "Tolerated"; PolyPhen-2: "Probably Damaging"; Align-GVGD: "Class C0"). In summary, the available evidence is currently insufficient to determine the role of this variant in disease. Therefore, it has been classified as a Variant of Uncertain Significance.